The following is an entry in ClinVar:

ClinVar aggregate classification (germline): Uncertain significance (1 of 4 stars; one submission).

Submission:

Labcorp Genetics (formerly Invitae), Labcorp
Classification: Uncertain significance. Last evaluated: 2022-09-27. Review status: criteria provided, single submitter. Criteria: Invitae Variant Classification Sherloc (09022015). Collection method: clinical testing. Allele origin: germline.
Comment: In summary, the available evidence is currently insufficient to determine the role of this variant in disease. Therefore, it has been classified as a Variant of Uncertain Significance. Advanced modeling of protein sequence and biophysical properties (such as structural, functional, and spatial information, amino acid conservation, physicochemical variation, residue mobility, and thermodynamic stability) performed at Invitae indicates that this missense variant is not expected to disrupt MME protein function. This variant has not been reported in the literature in individuals affected with MME-related conditions. This variant is not present in population databases (gnomAD no frequency). This sequence change replaces isoleucine, which is neutral and non-polar, with threonine, which is neutral and polar, at codon 486 of the MME protein (p.Ile486Thr).

NM_007289.4(MME):c.1457T>C (p.Ile486Thr)

Gene: MME (membrane metalloendopeptidase; plus strand). Cytogenetic location: 3q25.2.
Variant type: single nucleotide variant.
Coding change: c.1457T>C on transcript NM_007289.4 (MANE Select); coding-DNA position 1457, T replaced by C.
Protein change: p.Ile486Thr; replaces isoleucine 486 with threonine.
Molecular consequence: missense variant.
Genome position (GRCh38, 1-based): chr3:155,147,184, T>C. VCF-style: chr3-155147184-T-C. GRCh37 (hg19) VCF-style: chr3-154864973-T-C.
Other names: c.1457T>C, p.Ile486Thr (NM_000902.5, NM_001354642.2, NM_001354643.1 and 2 more transcripts); short protein forms I486T.
Identifiers: ClinVar variation 2089276 (VCV002089276.4), dbSNP rs1721580946, ClinGen allele CA355130870.